The following is an entry in ClinVar:

ClinVar aggregate classification (germline): Uncertain significance. Review status: criteria provided, multiple submitters, no conflicts (2 of 4 stars). 4 submissions from 3 submitters: Uncertain significance (3). 1 of the submissions does not count toward it. Last evaluated 2023-02-14.

Conditions:
CBL-related disorder. Also called: CBL MUTATION-ASSOCIATED SYNDROME; CBL SYNDROME; NOONAN SYNDROME-LIKE DISORDER WITHOUT JUVENILE MYELOMONOCYTIC LEUKEMIA. Identifiers: Orphanet 363972, MedGen C3150803, MONDO:0013308, OMIM 613563.
Juvenile myelomonocytic leukemia (JMML). Also called: LEUKEMIA, JUVENILE MYELOMONOCYTIC, SOMATIC. Identifiers: Orphanet 86834, MedGen C0349639, MONDO:0011908, OMIM 607785, HP:0012209.
RASopathy. Also called: rasopathies; Noonan spectrum disorder. Identifiers: Orphanet 536391, MedGen C5555857, MONDO:0021060.

gnomAD v4.1: 2 of 1,613,756 alleles (0.00012%); highest among the groups gnomAD compares: Non-Finnish European, 0.00017%; no homozygotes.

Submissions (4):

Labcorp Genetics (formerly Invitae), Labcorp
Classification: Uncertain significance for RASopathy. Last evaluated: 2023-02-14. Review status: criteria provided, single submitter. Criteria: Invitae Variant Classification Sherloc (09022015). Collection method: clinical testing. Allele origin: germline.
Comment: In summary, the available evidence is currently insufficient to determine the role of this variant in disease. Therefore, it has been classified as a Variant of Uncertain Significance. Advanced modeling of protein sequence and biophysical properties (such as structural, functional, and spatial information, amino acid conservation, physicochemical variation, residue mobility, and thermodynamic stability) performed at Invitae indicates that this missense variant is expected to disrupt CBL protein function. ClinVar contains an entry for this variant (Variation ID: 648752). This variant has not been reported in the literature in individuals affected with CBL-related conditions. This variant is not present in population databases (gnomAD no frequency). This sequence change replaces cysteine, which is neutral and slightly polar, with phenylalanine, which is neutral and non-polar, at codon 401 of the CBL protein (p.Cys401Phe).

Baylor Genetics
Classification: Uncertain significance for CBL-related disorder. Last evaluated: 2022-06-30. Review status: criteria provided, single submitter. Criteria: ACMG Guidelines, 2015. Collection method: clinical testing. Allele origin: unknown.

Baylor Genetics
Classification: Uncertain significance for Juvenile myelomonocytic leukemia. Last evaluated: 2022-06-30. Review status: criteria provided, single submitter. Criteria: ACMG Guidelines, 2015. Collection method: clinical testing. Allele origin: unknown.

Undiagnosed Diseases Network, NIH
Classification: Likely pathogenic for CBL-related disorder. Last evaluated: 2024-07-01. Review status: no assertion criteria provided. Collection method: clinical testing. Allele origin: de novo. Affected: yes. Observed: 1 variant allele, 1 heterozygote. Study: Undiagnosed Diseases Network (NIH), UDN. Not counted in ClinVar's aggregate classification.

Literature cited by the submitters: PubMed 38613168 (cited by Undiagnosed Diseases Network, NIH).

NM_005188.4(CBL):c.1202G>T (p.Cys401Phe)

Gene: CBL (Cbl proto-oncogene; plus strand). Cytogenetic location: 11q23.3.
Variant type: single nucleotide variant.
Coding change: c.1202G>T on transcript NM_005188.4 (MANE Select); coding-DNA position 1202, G replaced by T.
Protein change: p.Cys401Phe; replaces cysteine 401 with phenylalanine.
Molecular consequence: missense variant.
Genome position (GRCh38, 1-based): chr11:119,278,272, G>T. VCF-style: chr11-119278272-G-T. GRCh37 (hg19) VCF-style: chr11-119148982-G-T.
Other names: p.Cys401Phe; short protein forms C401F.
Identifiers: ClinVar variation 648752 (VCV000648752.11), dbSNP rs1357686410, ClinGen allele CA382912797.